The following is an entry in ClinVar:

ClinVar aggregate classification (germline): Conflicting classifications of pathogenicity. Review status: criteria provided, conflicting classifications (1 of 4 stars). 2 submissions from 2 submitters: Uncertain significance (1); Likely benign (1). Last evaluated 2024-07-22.

Conditions:
Primary ciliary dyskinesia. Also called: Ciliary dyskinesia. Identifiers: Orphanet 244, MedGen C0008780, MONDO:0016575, HP:0012265.

Allele frequency attached by ClinVar (database versions not stated): TOPMed 0.00002; gnomAD 0.00005; 1000 Genomes Project 30x 0.00016; 1000 Genomes Project 0.00020.

Submissions (2):

Ambry Genetics
Classification: Likely benign for Primary ciliary dyskinesia. Last evaluated: 2024-07-22. Review status: criteria provided, single submitter. Criteria: Ambry Variant Classification Scheme 2023. Collection method: clinical testing. Allele origin: germline.

Labcorp Genetics (formerly Invitae), Labcorp
Classification: Uncertain significance for Primary ciliary dyskinesia. Last evaluated: 2021-09-24. Review status: criteria provided, single submitter. Criteria: Invitae Variant Classification Sherloc (09022015). Collection method: clinical testing. Allele origin: germline.
Comment: This sequence change replaces isoleucine with leucine at codon 538 of the DNAAF2 protein (p.Ile538Leu). The isoleucine residue is moderately conserved and there is a small physicochemical difference between isoleucine and leucine. This variant is present in population databases (rs531303883, ExAC 0.1%). This variant has not been reported in the literature in individuals with DNAAF2-related conditions. Algorithms developed to predict the effect of missense changes on protein structure and function (SIFT, PolyPhen-2, Align-GVGD) all suggest that this variant is likely to be tolerated, but these predictions have not been confirmed by published functional studies and their clinical significance is uncertain. In summary, the available evidence is currently insufficient to determine the role of this variant in disease. Therefore, it has been classified as a Variant of Uncertain Significance.

NM_018139.3(DNAAF2):c.1612A>C (p.Ile538Leu)

Gene: DNAAF2 (dynein axonemal assembly factor 2; minus strand). Cytogenetic location: 14q21.3.
Variant type: single nucleotide variant.
Coding change: c.1612A>C on transcript NM_018139.3 (MANE Select); coding-DNA position 1612, A replaced by C.
Protein change: p.Ile538Leu; replaces isoleucine 538 with leucine.
Molecular consequence: missense variant. On other transcripts: 5 prime UTR variant (1).
Genome position (GRCh38, 1-based): chr14:49,633,538, T>G on the plus strand (A>C on the coding strand, the complement: DNAAF2 is on the minus strand). VCF-style: chr14-49633538-T-G. GRCh37 (hg19) VCF-style: chr14-50100256-T-G.
Other names: c.1612A>C, p.Ile538Leu (NM_001083908.2); c.-260A>C (NM_001378453.1); c.1612A>C (NM_018139.2); short protein forms I538L.
Identifiers: ClinVar variation 1447173 (VCV001447173.6), dbSNP rs531303883, ClinGen allele CA7172866.